The following is an entry in ClinVar:

ClinVar aggregate classification (germline): Uncertain significance (1 of 4 stars; one submission).

Submission:

Women's Health and Genetics/Laboratory Corporation of America, LabCorp
Classification: Uncertain significance. Last evaluated: 2026-06-16. Review status: criteria provided, single submitter. Criteria: LabCorp Variant Classification Summary - May 2015. Collection method: clinical testing. Allele origin: germline.
Comment: Variant summary: DSP c.8416G>T (p.Ala2806Ser) results in a conservative amino acid change in the encoded protein sequence. Algorithms developed to predict the effect of missense changes on protein structure and function are either unavailable or do not agree on the potential impact of this missense change. The variant was absent in 251058 control chromosomes. The available data on variant occurrences in the general population are insufficient to allow any conclusion about variant significance. To our knowledge, no occurrence of c.8416G>T in individuals affected with DSP-related conditions and no experimental evidence demonstrating its impact on protein function have been reported. No submitters have cited clinical-significance assessments for this variant to ClinVar. Based on the evidence outlined above, the variant was classified as uncertain significance.

NM_004415.4(DSP):c.8416G>T (p.Ala2806Ser)

Gene: DSP (desmoplakin; plus strand). Cytogenetic location: 6p24.3.
Variant type: single nucleotide variant.
Coding change: c.8416G>T on transcript NM_004415.4 (MANE Select); coding-DNA position 8416, G replaced by T.
Protein change: p.Ala2806Ser; replaces alanine 2806 with serine.
Molecular consequence: missense variant.
Genome position (GRCh38, 1-based): chr6:7,585,678, G>T. VCF-style: chr6-7585678-G-T. GRCh37 (hg19) VCF-style: chr6-7585911-G-T.
Other names: c.6619G>T, p.Ala2207Ser (NM_001008844.3); c.7087G>T, p.Ala2363Ser (NM_001319034.2); short protein forms A2207S, A2363S, A2806S.
Identifiers: ClinVar variation 4887192 (VCV004887192.1).